The following is an entry in ClinVar:

NM_013275.6(ANKRD11):c.1763C>T (p.Ser588Leu)

Gene: ANKRD11 (ankyrin repeat domain 11; minus strand). Cytogenetic location: 16q24.3.
Variant type: single nucleotide variant.
Coding change: c.1763C>T on transcript NM_013275.6 (MANE Select); coding-DNA position 1763, C replaced by T.
Protein change: p.Ser588Leu; replaces serine 588 with leucine.
Molecular consequence: missense variant.
Genome position (GRCh38, 1-based): chr16:89,284,779, G>A on the plus strand (C>T on the coding strand, the complement: ANKRD11 is on the minus strand). VCF-style: chr16-89284779-G-A. GRCh37 (hg19) VCF-style: chr16-89351187-G-A.
Other names: c.1763C>T, p.Ser588Leu (NM_001256182.2, NM_001256183.2); short protein forms S588L.
Identifiers: ClinVar variation 589037 (VCV000589037.19), dbSNP rs202142344, ClinGen allele CA8242700.
Genomic context (GRCh38, chr16:89,284,779, plus strand): 5'-TTCTTCTCCGACAGGGAGGCTCGCTTCCTGTGCTCCTGCCTCTTCCTCACTGGCTTCAGC[G>A]ATTCCACACTGGAGCCCTCAGAGGAGTAGTCAGACTCGCTTGTCAGTCTCGTCCTTGTGG-3'
Protein context (NP_037407.4, residues 578-598): DYSSEGSSVE[Ser588Leu]LKPVRKRQEH

ClinVar aggregate classification (germline): Conflicting classifications of pathogenicity. Review status: criteria provided, conflicting classifications (1 of 4 stars). 5 submissions from 5 submitters: Uncertain significance (2); Likely benign (3). Last evaluated 2026-01-23.

Conditions:
KBG syndrome (KBGS). Also called: ANKRD11-Related KBG Syndrome. Identifiers: Orphanet 2332, MedGen C0220687, MONDO:0007846, OMIM 148050.
Inborn genetic diseases. Identifiers: MedGen C0950123, MeSH D030342.

Allele frequency attached by ClinVar (database versions not stated): gnomAD exomes 0.00002 and 0.00005; ExAC 0.00003; 1000 Genomes Project 0.00020; gnomAD 0.00027 and 0.00029; 1000 Genomes Project 30x 0.00031; TOPMed 0.00076.

Submissions (5):

Labcorp Genetics (formerly Invitae), Labcorp
Classification: Uncertain significance for KBG syndrome. Last evaluated: 2026-01-23. Review status: criteria provided, single submitter. Criteria: Invitae Variant Classification Sherloc (09022015). Collection method: clinical testing. Allele origin: germline.
Comment: This sequence change replaces serine, which is neutral and polar, with leucine, which is neutral and non-polar, at codon 588 of the ANKRD11 protein (p.Ser588Leu). This variant is present in population databases (rs202142344, gnomAD 0.01%). This variant has not been reported in the literature in individuals affected with ANKRD11-related conditions. ClinVar contains an entry for this variant (Variation ID: 589037). Invitae Evidence Modeling of protein sequence and biophysical properties (such as structural, functional, and spatial information, amino acid conservation, physicochemical variation, residue mobility, and thermodynamic stability) indicates that this missense variant is not expected to disrupt ANKRD11 protein function with a negative predictive value of 95%. In summary, the available evidence is currently insufficient to determine the role of this variant in disease. Therefore, it has been classified as a Variant of Uncertain Significance.

Ambry Genetics
Classification: Likely benign for Inborn genetic diseases. Last evaluated: 2025-04-15. Review status: criteria provided, single submitter. Criteria: Ambry Variant Classification Scheme 2023. Collection method: clinical testing. Allele origin: germline.

Blueprint Genetics
Classification: Likely benign. Last evaluated: 2023-07-07. Review status: criteria provided, single submitter. Criteria: ACMG Guidelines, 2015. Collection method: clinical testing. Allele origin: germline.

GeneDx
Classification: Likely benign. Last evaluated: 2021-05-10. Review status: criteria provided, single submitter. Criteria: GeneDx Variant Classification Process June 2021. Collection method: clinical testing. Allele origin: germline. Affected: yes.

New York Genome Center
Classification: Uncertain significance for KBG syndrome. Last evaluated: 2019-06-21. Review status: criteria provided, single submitter. Criteria: NYGC Assertion Criteria 2020. Collection method: clinical testing. Allele origin: germline. Observed: 1 heterozygote. Study: CSER-NYCKidSeq.